The following is an entry in ClinVar:

ClinVar aggregate classification (germline): Uncertain significance (1 of 4 stars; one submission).

Conditions:
Amyotrophic lateral sclerosis type 4 (ALS4). Also called: NEURONOPATHY, DISTAL HEREDITARY MOTOR, WITH PYRAMIDAL FEATURES; AMYOTROPHIC LATERAL SCLEROSIS 4, JUVENILE. Identifiers: Orphanet 357043, MedGen C1865409, MONDO:0011223, OMIM 602433.
Spinocerebellar ataxia, autosomal recessive, with axonal neuropathy 2 (SCAN2). Also called: Ataxia-ocular apraxia-2; Ataxia with Oculomotor Apraxia Type 2; ATAXIA-OCULOMOTOR APRAXIA 2; Ataxia with Oculomotor Apraxia. Identifiers: Orphanet 64753, MedGen C1853761, MONDO:0018996, OMIM 606002.

Allele frequency attached by ClinVar (database versions not stated): gnomAD exomes below 0.00001.
gnomAD v4.1: 1 of 1,614,192 alleles (0.000062%); highest among the groups gnomAD compares: Non-Finnish European, 0.000085%; no homozygotes.

Submission:

Labcorp Genetics (formerly Invitae), Labcorp
Classification: Uncertain significance for Amyotrophic lateral sclerosis type 4; Spinocerebellar ataxia, autosomal recessive, with axonal neuropathy 2. Last evaluated: 2022-12-03. Review status: criteria provided, single submitter. Criteria: Invitae Variant Classification Sherloc (09022015). Collection method: clinical testing. Allele origin: germline.
Comment: This missense change has been observed in individual(s) with amyotrophic lateral sclerosis (Invitae). This sequence change replaces lysine, which is basic and polar, with glutamic acid, which is acidic and polar, at codon 1243 of the SETX protein (p.Lys1243Glu). This variant is not present in population databases (gnomAD no frequency). Advanced modeling of protein sequence and biophysical properties (such as structural, functional, and spatial information, amino acid conservation, physicochemical variation, residue mobility, and thermodynamic stability) performed at Invitae indicates that this missense variant is not expected to disrupt SETX protein function. In summary, the available evidence is currently insufficient to determine the role of this variant in disease. Therefore, it has been classified as a Variant of Uncertain Significance.

NM_015046.7(SETX):c.3727A>G (p.Lys1243Glu)

Gene: SETX (senataxin; minus strand). Cytogenetic location: 9q34.13.
Variant type: single nucleotide variant.
Coding change: c.3727A>G on transcript NM_015046.7 (MANE Select); coding-DNA position 3727, A replaced by G.
Protein change: p.Lys1243Glu; replaces lysine 1243 with glutamic acid.
Molecular consequence: missense variant.
Genome position (GRCh38, 1-based): chr9:132,327,871, T>C on the plus strand (A>G on the coding strand, the complement: SETX is on the minus strand). VCF-style: chr9-132327871-T-C. GRCh37 (hg19) VCF-style: chr9-135203258-T-C.
Other names: c.3727A>G, p.Lys1243Glu (NM_001351527.2, NM_001351528.2); short protein forms K1243E.
Identifiers: ClinVar variation 2926576 (VCV002926576.3), dbSNP rs2539104935, ClinGen allele CA375328505.
Genomic context (GRCh38, chr9:132,327,871, plus strand): 5'-TACAACTTAGGTAATTTGAACTTCTATTCTGTCCTTTTTTGGCATCTGAATGAGTTTTCT[T>C]AGGGGTCTTAGAAACTGGAACTTTCCTGATGGGTTCTGTACAAGTACAAAGCTTTGAAGA-3'
Protein context (NP_055861.3, residues 1233-1253): IRKVPVSKTP[Lys1243Glu]KTHSDAKKGQ